The following is an entry in ClinVar:

ClinVar aggregate classification (germline): Uncertain significance (1 of 4 stars; one submission).

Conditions:
Anauxetic dysplasia. Identifiers: Orphanet 93347, MedGen C1846796, MONDO:0011773.

Submission:

Labcorp Genetics (formerly Invitae), Labcorp
Classification: Uncertain significance for Anauxetic dysplasia. Last evaluated: 2022-03-04. Review status: criteria provided, single submitter. Criteria: Invitae Variant Classification Sherloc (09022015). Collection method: clinical testing. Allele origin: germline.
Comment: In summary, the available evidence is currently insufficient to determine the role of this variant in disease. Therefore, it has been classified as a Variant of Uncertain Significance. Experimental studies and prediction algorithms are not available or were not evaluated, and the functional significance of this variant is currently unknown. This variant has not been reported in the literature in individuals affected with RMRP-related conditions. This variant is not present in population databases (gnomAD no frequency). This variant occurs in the RMRP gene, which encodes an RNA molecule that does not result in a protein product.

NR_003051.4(RMRP):n.95dup

Gene: RMRP (RNA component of mitochondrial RNA processing endoribonuclease; minus strand). Cytogenetic location: 9p13.3.
Variant type: Duplication.
Genome position: GRCh38 VCF-style: chr9-35657924-T-TC. GRCh37 (hg19) VCF-style: chr9-35657921-T-TC.
Identifiers: ClinVar variation 2098010 (VCV002098010.4), dbSNP rs2490601706, ClinGen allele CA2580080450.